The following is an entry in ClinVar:

NM_003722.5(TP63):c.379G>A (p.Gly127Ser)

Gene: TP63 (tumor protein p63; plus strand). Cytogenetic location: 3q28.
Variant type: single nucleotide variant.
Coding change: c.379G>A on transcript NM_003722.5 (MANE Select); coding-DNA position 379, G replaced by A.
Protein change: p.Gly127Ser; replaces glycine 127 with serine.
Molecular consequence: missense variant. On other transcripts: intron variant (2).
Genome position (GRCh38, 1-based): chr3:189,808,326, G>A. VCF-style: chr3-189808326-G-A. GRCh37 (hg19) VCF-style: chr3-189526115-G-A.
Other names: c.379G>A, p.Gly127Ser (NM_001114978.2, NM_001114979.2, NM_001329144.2 and 1 more transcripts); c.97G>A, p.Gly33Ser (NM_001114980.2, NM_001114981.2, NM_001114982.2 and 2 more transcripts); c.373G>A, p.Gly125Ser (NM_001329964.2); c.42+18484G>A (NM_001329146.2, NM_001329150.2); short protein forms G125S, G127S, G33S.
Identifiers: ClinVar variation 2053956 (VCV002053956.3), dbSNP rs375508394, ClinGen allele CA2752122.

ClinVar aggregate classification (germline): Uncertain significance (1 of 4 stars; one submission).

Conditions:
TP63-Related Spectrum Disorders.

Allele frequency attached by ClinVar (database versions not stated): ESP Exome Variant Server 0.00008; gnomAD exomes 0.00008; ExAC 0.00002; gnomAD 0.00006; TOPMed 0.00006.
gnomAD v4.1: 117 of 1,614,016 alleles (0.0072%); highest among the groups gnomAD compares: Non-Finnish European, 0.0097%; no homozygotes.

Submission:

Labcorp Genetics (formerly Invitae), Labcorp
Classification: Uncertain significance. Last evaluated: 2024-04-25. Review status: criteria provided, single submitter. Criteria: Invitae Variant Classification Sherloc (09022015). Collection method: clinical testing. Allele origin: germline.
Comment: This sequence change replaces glycine, which is neutral and non-polar, with serine, which is neutral and polar, at codon 127 of the TP63 protein (p.Gly127Ser). This variant is present in population databases (rs375508394, gnomAD 0.005%). This variant has not been reported in the literature in individuals affected with TP63-related conditions. ClinVar contains an entry for this variant (Variation ID: 2053956). Advanced modeling of protein sequence and biophysical properties (such as structural, functional, and spatial information, amino acid conservation, physicochemical variation, residue mobility, and thermodynamic stability) performed at Invitae indicates that this missense variant is expected to disrupt TP63 protein function with a positive predictive value of 80%. In summary, the available evidence is currently insufficient to determine the role of this variant in disease. Therefore, it has been classified as a Variant of Uncertain Significance.